The following is an entry in ClinVar:

ClinVar aggregate classification (germline): Likely benign (0 of 4 stars; one submission).

Conditions:
UBR4-related disorder. Also called: UBR4-related condition.

Allele frequency attached by ClinVar (database versions not stated): gnomAD 0.00002; gnomAD exomes 0.00003; TOPMed 0.00003.
gnomAD v4.1: 45 of 1,614,034 alleles (0.0028%); highest among the groups gnomAD compares: Non-Finnish European, 0.0038%; no homozygotes.

Submission:

PreventionGenetics, part of Exact Sciences
Classification: Likely benign for UBR4-related condition. Last evaluated: 2019-11-26. Review status: no assertion criteria provided. Collection method: clinical testing. Allele origin: germline.
Comment: This variant is classified as likely benign based on ACMG/AMP sequence variant interpretation guidelines (Richards et al. 2015 PMID: 25741868, with internal and published modifications).

NM_020765.3(UBR4):c.5286C>T (p.Ser1762=)

Genes: UBR4 (ubiquitin protein ligase E3 component n-recognin 4; minus strand), LOC126805644 (BRD4-independent group 4 enhancer GRCh37_chr1:19487245-19488444; plus strand). Cytogenetic location: 1p36.13.
Variant type: single nucleotide variant.
Coding change: c.5286C>T on transcript NM_020765.3 (MANE Select); coding-DNA position 5286, C replaced by T.
Protein change: p.Ser1762=; no amino-acid change (serine 1762 retained).
Molecular consequence: synonymous variant.
Genome position (GRCh38, 1-based): chr1:19,161,037, G>A on the plus strand (C>T on the coding strand, the complement: UBR4 is on the minus strand). VCF-style: chr1-19161037-G-A. GRCh37 (hg19) VCF-style: chr1-19487531-G-A.
Identifiers: ClinVar variation 3048108 (VCV003048108.2), dbSNP rs755752320, ClinGen allele CA18817547.